The following is an entry in ClinVar:

NM_001204.7(BMPR2):c.2199G>C (p.Leu733Phe)

Gene: BMPR2 (bone morphogenetic protein receptor type 2; plus strand). Cytogenetic location: 2q33.2.
Variant type: single nucleotide variant.
Coding change: c.2199G>C on transcript NM_001204.7 (MANE Select); coding-DNA position 2199, G replaced by C.
Protein change: p.Leu733Phe; replaces leucine 733 with phenylalanine.
Molecular consequence: missense variant.
Genome position (GRCh38, 1-based): chr2:202,555,864, G>C. VCF-style: chr2-202555864-G-C. GRCh37 (hg19) VCF-style: chr2-203420587-G-C.
Other names: short protein forms L733F.
Identifiers: ClinVar variation 3481258 (VCV003481258.2).

ClinVar aggregate classification (germline): Uncertain significance. Review status: criteria provided, multiple submitters, no conflicts (2 of 4 stars). 2 submissions from 2 submitters: Uncertain significance (2). Last evaluated 2024-11-20.

Conditions:
Pulmonary hypertension, primary, 1 (PPH1). Also called: Pulmonary hypertension, familial primary, 1, with or without HHT. Identifiers: Orphanet 422, MedGen C4552070, MONDO:0024533, OMIM 178600.
Pulmonary venoocclusive disease 1 (PVOD1). Also called: Pulmonary venoocclusive disease 1, autosomal dominant. Identifiers: Orphanet 31837, MedGen C3887658, MONDO:0020713, OMIM 265450.
Inborn genetic diseases. Identifiers: MedGen C0950123, MeSH D030342.

gnomAD v4.1: 2 of 1,614,156 alleles (0.00012%); highest among the groups gnomAD compares: Non-Finnish European, 0.00017%; no homozygotes.

Submissions (2):

Ambry Genetics
Classification: Uncertain significance for Inborn genetic diseases. Last evaluated: 2024-11-20. Review status: criteria provided, single submitter. Criteria: Ambry Variant Classification Scheme 2023. Collection method: clinical testing. Allele origin: germline.
Comment: The p.L733F variant (also known as c.2199G>C), located in coding exon 12 of the BMPR2 gene, results from a G to C substitution at nucleotide position 2199. The leucine at codon 733 is replaced by phenylalanine, an amino acid with highly similar properties. This amino acid position is conserved. In addition, the in silico prediction for this alteration is inconclusive. Based on the available evidence, the clinical significance of this variant remains unclear.

Fulgent Genetics
Classification: Uncertain significance for Pulmonary hypertension, primary, 1; Pulmonary venoocclusive disease 1. Last evaluated: 2024-03-05. Review status: criteria provided, single submitter. Criteria: ACMG Guidelines, 2015. Collection method: clinical testing. Allele origin: germline.